The following is an entry in ClinVar:

ClinVar aggregate classification (germline): Uncertain significance (1 of 4 stars; one submission).

Conditions:
Primary dilated cardiomyopathy (DCM). Also called: Dilated Cardiomyopathy. Identifiers: Orphanet 217604, MedGen C0007193, MeSH D002311, MONDO:0005021, HP:0001644. Inheritance: Various modes of inheritance.

Submission:

All of Us Research Program, National Institutes of Health
Classification: Uncertain significance for Primary dilated cardiomyopathy. Last evaluated: 2023-03-28. Review status: criteria provided, single submitter. Criteria: ACMG Guidelines, 2015. Collection method: clinical testing. Allele origin: germline. Inheritance: Autosomal dominant inheritance. Observed: 1 variant allele, 1 heterozygote.
Comment: This study involves interpretation of variants in research participants for the purpose of population health screening. Participant phenotype was not available at the time of variant classification. Additional details can be found in publication PMID: 35346344, PMCID: PMC8962531

NM_170707.4(LMNA):c.1030G>A (p.Glu344Lys)

Gene: LMNA (lamin A/C; plus strand). Cytogenetic location: 1q22.
Variant type: single nucleotide variant.
Coding change: c.1030G>A on transcript NM_170707.4 (MANE Select); coding-DNA position 1030, G replaced by A.
Protein change: p.Glu344Lys; replaces glutamic acid 344 with lysine.
Molecular consequence: missense variant.
Genome position (GRCh38, 1-based): chr1:156,135,994, G>A. VCF-style: chr1-156135994-G-A. GRCh37 (hg19) VCF-style: chr1-156105785-G-A.
Other names: c.694G>A, p.Glu232Lys (NM_001257374.3, NM_001406989.1, NM_001406998.1); c.787G>A, p.Glu263Lys (NM_001282624.2, NM_001406986.1, NM_001406987.1); c.1030G>A, p.Glu344Lys (NM_001282625.2, NM_001282626.2, NM_001406983.1 and 6 more transcripts); c.733G>A, p.Glu245Lys (NM_001406988.1); c.472G>A, p.Glu158Lys (NM_001406990.1, NM_001406993.1, NM_001406995.1 and 4 more transcripts); c.406G>A, p.Glu136Lys (NM_001406994.1, NM_001406999.1, NM_001407000.1 and 1 more transcripts); short protein forms E136K, E158K, E232K, E245K, E263K, E344K.
Identifiers: ClinVar variation 3070010 (VCV003070010.1), dbSNP rs2527991213, ClinGen allele CA342820225.